The following is an entry in ClinVar:

ClinVar aggregate classification (germline): Likely pathogenic (1 of 4 stars; one submission).

Conditions:
Wiedemann-Steiner syndrome (WDSTS). Also called: Growth deficiency and mental retardation with facial dysmorphism. Identifiers: Orphanet 319182, MedGen C1854630, MONDO:0011518, OMIM 605130.

Submission:

3billion
Classification: Likely pathogenic for Wiedemann-Steiner syndrome. Last evaluated: 2026-01-26. Review status: criteria provided, single submitter. Criteria: ACMG Guidelines, 2015. Collection method: clinical testing. Allele origin: germline. Affected: yes.
Comment: The variant is not observed in the gnomAD v4.1.0 dataset. Predicted Consequence/Location: Frameshift: predicted to result in a loss or disruption of normal protein function through nonsense-mediated decay (NMD) or protein truncation. Multiple pathogenic variants are reported downstream of the variant. Therefore, this variant is classified as Likely pathogenic according to the recommendation of ACMG/AMP guideline.

NM_001197104.2(KMT2A):c.225del (p.Gly77fs)

Gene: KMT2A (lysine methyltransferase 2A; plus strand). Cytogenetic location: 11q23.3.
Variant type: Deletion.
Coding change: c.225del on transcript NM_001197104.2 (MANE Select); coding-DNA position 225, one base deleted (A; older notation c.225delA).
Protein change: p.Gly77fs; shifts the reading frame from glycine 77.
Molecular consequence: frameshift variant.
Genome position (GRCh38, 1-based): chr11:118,436,737, A deleted. VCF-style (leftmost placement, unchanged base first): chr11-118436736-CA-C. GRCh37 (hg19) VCF-style: chr11-118307451-CA-C.
Other names: c.225del, p.Gly77fs (NM_001412597.1, NM_005933.4); short protein forms G77fs.
Identifiers: ClinVar variation 4855308 (VCV004855308.1).